The following is an entry in ClinVar:

ClinVar aggregate classification (germline): Uncertain significance. Review status: criteria provided, multiple submitters, no conflicts (2 of 4 stars). 2 submissions from 2 submitters: Uncertain significance (2). Last evaluated 2024-11-11.

Conditions:
Developmental and epileptic encephalopathy, 12 (DEE12). Identifiers: MedGen C3150988, MONDO:0013389, OMIM 613722.

Allele frequency attached by ClinVar (database versions not stated): gnomAD 0.00001; TOPMed 0.00002; gnomAD exomes 0.00003.
gnomAD v4.1: 29 of 1,612,296 alleles (0.0018%); highest among the groups gnomAD compares: East Asian, 0.018%; no homozygotes.

Submissions (2):

Labcorp Genetics (formerly Invitae), Labcorp
Classification: Uncertain significance for Developmental and epileptic encephalopathy, 12. Last evaluated: 2024-11-11. Review status: criteria provided, single submitter. Criteria: Invitae Variant Classification Sherloc (09022015). Collection method: clinical testing. Allele origin: germline.
Comment: This sequence change replaces alanine, which is neutral and non-polar, with threonine, which is neutral and polar, at codon 965 of the PLCB1 protein (p.Ala965Thr). This variant is present in population databases (no rsID available, gnomAD 0.01%). This variant has not been reported in the literature in individuals affected with PLCB1-related conditions. ClinVar contains an entry for this variant (Variation ID: 941932). Invitae Evidence Modeling of protein sequence and biophysical properties (such as structural, functional, and spatial information, amino acid conservation, physicochemical variation, residue mobility, and thermodynamic stability) indicates that this missense variant is not expected to disrupt PLCB1 protein function with a negative predictive value of 80%. In summary, the available evidence is currently insufficient to determine the role of this variant in disease. Therefore, it has been classified as a Variant of Uncertain Significance.

Blueprint Genetics
Classification: Uncertain significance. Last evaluated: 2022-03-29. Review status: criteria provided, single submitter. Criteria: ACMG Guidelines, 2015. Collection method: clinical testing. Allele origin: germline.

NM_015192.4(PLCB1):c.2893G>A (p.Ala965Thr)

Gene: PLCB1 (phospholipase C beta 1; plus strand). Cytogenetic location: 20p12.3.
Variant type: single nucleotide variant.
Coding change: c.2893G>A on transcript NM_015192.4 (MANE Select); coding-DNA position 2893, G replaced by A.
Protein change: p.Ala965Thr; replaces alanine 965 with threonine.
Molecular consequence: missense variant.
Genome position (GRCh38, 1-based): chr20:8,765,321, G>A. VCF-style: chr20-8765321-G-A. GRCh37 (hg19) VCF-style: chr20-8745968-G-A.
Other names: c.2893G>A, p.Ala965Thr (NM_182734.3); short protein forms A965T.
Identifiers: ClinVar variation 941932 (VCV000941932.9), dbSNP rs1253411202, ClinGen allele CA408208899.